The following is an entry in ClinVar:

ClinVar aggregate classification (germline): Uncertain significance. Review status: criteria provided, multiple submitters, no conflicts (2 of 4 stars). 2 submissions from 2 submitters: Uncertain significance (2). Last evaluated 2024-09-30.

Conditions:
Familial temporal lobe epilepsy 7. Identifiers: Orphanet 101046, MedGen C4225327, MONDO:0014639, OMIM 616436.
Norman-Roberts syndrome (LIS2). Also called: Lissencephaly 2 (Norman-Roberts type). Identifiers: Orphanet 89844, MedGen C0796089, MONDO:0009760, OMIM 257320.

Allele frequency attached by ClinVar (database versions not stated): TOPMed below 0.00001.
gnomAD v4.1: 1 of 1,613,558 alleles (0.000062%); highest among the groups gnomAD compares: Non-Finnish European, 0.000085%; no homozygotes.

Submissions (2):

Labcorp Genetics (formerly Invitae), Labcorp
Classification: Uncertain significance for Familial temporal lobe epilepsy 7; Norman-Roberts syndrome. Last evaluated: 2024-09-30. Review status: criteria provided, single submitter. Criteria: Invitae Variant Classification Sherloc (09022015). Collection method: clinical testing. Allele origin: germline.
Comment: This sequence change replaces serine, which is neutral and polar, with arginine, which is basic and polar, at codon 868 of the RELN protein (p.Ser868Arg). This variant is not present in population databases (gnomAD no frequency). This variant has not been reported in the literature in individuals affected with RELN-related conditions. ClinVar contains an entry for this variant (Variation ID: 436530). Invitae Evidence Modeling of protein sequence and biophysical properties (such as structural, functional, and spatial information, amino acid conservation, physicochemical variation, residue mobility, and thermodynamic stability) indicates that this missense variant is not expected to disrupt RELN protein function with a negative predictive value of 80%. In summary, the available evidence is currently insufficient to determine the role of this variant in disease. Therefore, it has been classified as a Variant of Uncertain Significance.

Genetic Services Laboratory, University of Chicago
Classification: Uncertain significance. Last evaluated: 2016-08-25. Review status: criteria provided, single submitter. Criteria: ACMG Guidelines, 2015. Collection method: clinical testing. Allele origin: germline. Affected: no.

NM_005045.4(RELN):c.2604C>G (p.Ser868Arg)

Gene: RELN (reelin; minus strand). Cytogenetic location: 7q22.1.
Variant type: single nucleotide variant.
Coding change: c.2604C>G on transcript NM_005045.4 (MANE Select); coding-DNA position 2604, C replaced by G.
Protein change: p.Ser868Arg; replaces serine 868 with arginine.
Molecular consequence: missense variant.
Genome position (GRCh38, 1-based): chr7:103,630,038, G>C on the plus strand (C>G on the coding strand, the complement: RELN is on the minus strand). VCF-style: chr7-103630038-G-C. GRCh37 (hg19) VCF-style: chr7-103270485-G-C.
Other names: c.2604C>G, p.Ser868Arg (NM_173054.3); short protein forms S868R.
Identifiers: ClinVar variation 436530 (VCV000436530.9), dbSNP rs1426251919, ClinGen allele CA368758402.